The following is an entry in ClinVar:

NM_006904.7(PRKDC):c.4124C>T (p.Thr1375Met)

Gene: PRKDC (protein kinase, DNA-activated, catalytic subunit; minus strand). Cytogenetic location: 8q11.21.
Variant type: single nucleotide variant.
Coding change: c.4124C>T on transcript NM_006904.7 (MANE Select); coding-DNA position 4124, C replaced by T.
Protein change: p.Thr1375Met; replaces threonine 1375 with methionine.
Molecular consequence: missense variant.
Genome position (GRCh38, 1-based): chr8:47,889,170, G>A on the plus strand (C>T on the coding strand, the complement: PRKDC is on the minus strand). VCF-style: chr8-47889170-G-A. GRCh37 (hg19) VCF-style: chr8-48801731-G-A.
Other names: c.4124C>T, p.Thr1375Met (NM_001081640.2); short protein forms T1375M.
Identifiers: ClinVar variation 573759 (VCV000573759.5), dbSNP rs201150235, ClinGen allele CA4740999.

ClinVar aggregate classification (germline): Uncertain significance (1 of 4 stars; one submission).

Conditions:
Severe combined immunodeficiency due to DNA-PKcs deficiency. Also called: IMMUNODEFICIENCY 26 WITH NEUROLOGIC ABNORMALITIES; Immunodeficiency 26 with or without neurologic abnormalities. Identifiers: Orphanet 317425, MedGen C4014833, MONDO:0014423, OMIM 615966.

Allele frequency attached by ClinVar (database versions not stated): gnomAD 0.00009 and 0.00008; gnomAD exomes 0.00009 and 0.00007; ESP Exome Variant Server 0.00016; 1000 Genomes Project 30x 0.00031; 1000 Genomes Project 0.00040; TOPMed 0.00008; ExAC 0.00009.
gnomAD v4.1: 149 of 1,613,842 alleles (0.0092%); highest among the groups gnomAD compares: Non-Finnish European, 0.011%; no homozygotes.

Submission:

Labcorp Genetics (formerly Invitae), Labcorp
Classification: Uncertain significance for Severe combined immunodeficiency due to DNA-PKcs deficiency. Last evaluated: 2024-07-10. Review status: criteria provided, single submitter. Criteria: Invitae Variant Classification Sherloc (09022015). Collection method: clinical testing. Allele origin: germline.
Comment: This sequence change replaces threonine, which is neutral and polar, with methionine, which is neutral and non-polar, at codon 1375 of the PRKDC protein (p.Thr1375Met). This variant is present in population databases (rs201150235, gnomAD 0.01%). This variant has not been reported in the literature in individuals affected with PRKDC-related conditions. ClinVar contains an entry for this variant (Variation ID: 573759). Advanced modeling of protein sequence and biophysical properties (such as structural, functional, and spatial information, amino acid conservation, physicochemical variation, residue mobility, and thermodynamic stability) performed at Invitae indicates that this missense variant is not expected to disrupt PRKDC protein function with a negative predictive value of 80%. In summary, the available evidence is currently insufficient to determine the role of this variant in disease. Therefore, it has been classified as a Variant of Uncertain Significance.